The following is an entry in ClinVar:

NM_016653.3(MAP3K20):c.1739G>A (p.Arg580Gln)

Genes: MAP3K20 (mitogen-activated protein kinase kinase kinase 20; plus strand), MAP3K20-AS1 (MAP3K20 antisense RNA 1; minus strand). Cytogenetic location: 2q31.1.
Variant type: single nucleotide variant.
Coding change: c.1739G>A on transcript NM_016653.3 (MANE Select); coding-DNA position 1739, G replaced by A.
Protein change: p.Arg580Gln; replaces arginine 580 with glutamine.
Molecular consequence: missense variant.
Genome position (GRCh38, 1-based): chr2:173,266,086, G>A. VCF-style: chr2-173266086-G-A. GRCh37 (hg19) VCF-style: chr2-174130814-G-A.
Other names: short protein forms R580Q.
Identifiers: ClinVar variation 1393424 (VCV001393424.6), dbSNP rs776656628, ClinGen allele CA1970954.

ClinVar aggregate classification (germline): Uncertain significance (1 of 4 stars; one submission).

Allele frequency attached by ClinVar (database versions not stated): gnomAD 0.00001; gnomAD exomes 0.00001; TOPMed 0.00001; ExAC 0.00005.
gnomAD v4.1: 8 of 1,594,344 alleles (0.0005%); highest among the groups gnomAD compares: East Asian, 0.009%; no homozygotes.

Submission:

Labcorp Genetics (formerly Invitae), Labcorp
Classification: Uncertain significance. Last evaluated: 2022-03-18. Review status: criteria provided, single submitter. Criteria: Invitae Variant Classification Sherloc (09022015). Collection method: clinical testing. Allele origin: germline.
Comment: This sequence change replaces arginine, which is basic and polar, with glutamine, which is neutral and polar, at codon 580 of the MAP3K20 protein (p.Arg580Gln). The frequency data for this variant in the population databases is considered unreliable, as metrics indicate poor data quality at this position in the gnomAD database. This variant has not been reported in the literature in individuals affected with MAP3K20-related conditions. Experimental studies and prediction algorithms are not available or were not evaluated, and the functional significance of this variant is currently unknown. In summary, the available evidence is currently insufficient to determine the role of this variant in disease. Therefore, it has been classified as a Variant of Uncertain Significance.